The following is an entry in ClinVar:

NM_016247.4(IMPG2):c.2819A>C (p.Gln940Pro)

Gene: IMPG2 (interphotoreceptor matrix proteoglycan 2; minus strand). Cytogenetic location: 3q12.3.
Variant type: single nucleotide variant.
Coding change: c.2819A>C on transcript NM_016247.4 (MANE Select); coding-DNA position 2819, A replaced by C.
Protein change: p.Gln940Pro; replaces glutamine 940 with proline.
Molecular consequence: missense variant.
Genome position (GRCh38, 1-based): chr3:101,242,891, T>G on the plus strand (A>C on the coding strand, the complement: IMPG2 is on the minus strand). VCF-style: chr3-101242891-T-G. GRCh37 (hg19) VCF-style: chr3-100961735-T-G.
Other names: short protein forms Q940P.
Identifiers: ClinVar variation 1006213 (VCV001006213.10), dbSNP rs373286123, ClinGen allele CA353854182.

ClinVar aggregate classification (germline): Uncertain significance (1 of 4 stars; one submission).

Submission:

Labcorp Genetics (formerly Invitae), Labcorp
Classification: Uncertain significance. Last evaluated: 2022-07-19. Review status: criteria provided, single submitter. Criteria: Invitae Variant Classification Sherloc (09022015). Collection method: clinical testing. Allele origin: germline.
Comment: In summary, the available evidence is currently insufficient to determine the role of this variant in disease. Therefore, it has been classified as a Variant of Uncertain Significance. Algorithms developed to predict the effect of missense changes on protein structure and function (SIFT, PolyPhen-2, Align-GVGD) all suggest that this variant is likely to be disruptive. ClinVar contains an entry for this variant (Variation ID: 1006213). This variant has not been reported in the literature in individuals affected with IMPG2-related conditions. This variant is not present in population databases (gnomAD no frequency). This sequence change replaces glutamine, which is neutral and polar, with proline, which is neutral and non-polar, at codon 940 of the IMPG2 protein (p.Gln940Pro).